The following is an entry in ClinVar:

NM_001364171.2(ODAD1):c.225C>T (p.Ser75=)

Gene: ODAD1 (outer dynein arm docking complex subunit 1; minus strand). Cytogenetic location: 19q13.33.
Variant type: single nucleotide variant.
Coding change: c.225C>T on transcript NM_001364171.2 (MANE Select); coding-DNA position 225, C replaced by T.
Protein change: p.Ser75=; no amino-acid change (serine 75 retained).
Molecular consequence: synonymous variant.
Genome position (GRCh38, 1-based): chr19:48,318,522, G>A on the plus strand (C>T on the coding strand, the complement: ODAD1 is on the minus strand). VCF-style: chr19-48318522-G-A. GRCh37 (hg19) VCF-style: chr19-48821779-G-A.
Other names: c.114C>T, p.Ser38= (NM_144577.4).
Identifiers: ClinVar variation 697565 (VCV000697565.8), dbSNP rs760732263, ClinGen allele CA9549077.

ClinVar aggregate classification (germline): Likely benign. Review status: criteria provided, multiple submitters, no conflicts (2 of 4 stars). 3 submissions from 3 submitters: Likely benign (2). 1 of the submissions does not count toward it. Last evaluated 2025-08-28.

Conditions:
ODAD1-related disorder. Also called: ODAD1-related condition.
Primary ciliary dyskinesia. Also called: Ciliary dyskinesia. Identifiers: Orphanet 244, MedGen C0008780, MONDO:0016575, HP:0012265.

Allele frequency attached by ClinVar (database versions not stated): gnomAD 0.00005; TOPMed 0.00005; gnomAD exomes 0.00009 and 0.00010; ExAC 0.00035.
gnomAD v4.1: 142 of 1,551,468 alleles (0.0092%); highest among the groups gnomAD compares: South Asian, 0.024%; no homozygotes.

Submissions (3):

Labcorp Genetics (formerly Invitae), Labcorp
Classification: Likely benign for Primary ciliary dyskinesia. Last evaluated: 2025-08-28. Review status: criteria provided, single submitter. Criteria: Invitae Variant Classification Sherloc (09022015). Collection method: clinical testing. Allele origin: germline.

Blueprint Genetics
Classification: Likely benign. Last evaluated: 2024-06-14. Review status: criteria provided, single submitter. Criteria: ACMG Guidelines, 2015. Collection method: clinical testing. Allele origin: germline.

PreventionGenetics, part of Exact Sciences
Classification: Likely benign for ODAD1-related condition. Last evaluated: 2020-04-03. Review status: no assertion criteria provided. Collection method: clinical testing. Allele origin: germline. Not counted in ClinVar's aggregate classification.
Comment: This variant is classified as likely benign based on ACMG/AMP sequence variant interpretation guidelines (Richards et al. 2015 PMID: 25741868, with internal and published modifications).